The following is an entry in ClinVar:

ClinVar aggregate classification (germline): Uncertain significance (1 of 4 stars; one submission).

Submission:

Dasa
Classification: Uncertain significance. Last evaluated: 2025-08-09. Review status: criteria provided, single submitter. Criteria: DASA Assertion Criteria. Collection method: clinical testing. Allele origin: germline.
Comment: NM_002334.4(LRP4):c.4952-52A>C is an intronic variant. This variant is absent from population databases. The currently available literature and clinical evidence are not sufficient to establish a definitive association between this variant and the reported condition. Therefore, this variant is classified as a variant of uncertain significance.

NM_002334.4(LRP4):c.4952-52A>C

Genes: LRP4 (LDL receptor related protein 4; minus strand), LRP4-AS1 (LRP4 antisense RNA 1; plus strand). Cytogenetic location: 11p11.2.
Variant type: single nucleotide variant.
Coding change: c.4952-52A>C on transcript NM_002334.4 (MANE Select); 52 bases into the intron before coding-DNA position 4952, A replaced by C.
Molecular consequence: intron variant.
Genome position (GRCh38, 1-based): chr11:46,868,166, T>G on the plus strand (A>C on the coding strand, the complement: LRP4 is on the minus strand). VCF-style: chr11-46868166-T-G. GRCh37 (hg19) VCF-style: chr11-46889717-T-G.
Identifiers: ClinVar variation 4882678 (VCV004882678.2).